The following is an entry in ClinVar:

NM_001042492.3(NF1):c.5689G>A (p.Gly1897Ser)

Gene: NF1 (neurofibromin 1; plus strand). Cytogenetic location: 17q11.2.
Variant type: single nucleotide variant.
Coding change: c.5689G>A on transcript NM_001042492.3 (MANE Select); coding-DNA position 5689, G replaced by A.
Protein change: p.Gly1897Ser; replaces glycine 1897 with serine.
Molecular consequence: missense variant.
Genome position (GRCh38, 1-based): chr17:31,330,375, G>A. VCF-style: chr17-31330375-G-A. GRCh37 (hg19) VCF-style: chr17-29657393-G-A.
Other names: c.5626G>A, p.Gly1876Ser (NM_000267.4); short protein forms G1876S, G1897S.
Identifiers: ClinVar variation 1387741 (VCV001387741.6), dbSNP rs368201829, ClinGen allele CA8487216.

ClinVar aggregate classification (germline): Uncertain significance (1 of 4 stars; one submission).

Conditions:
Neurofibromatosis, type 1 (NF1). Also called: VON RECKLINGHAUSEN DISEASE; Neurofibromatosis, type I; NEUROFIBROMATOSIS, TYPE I, SOMATIC; Peripheral type neurofibromatosis. Identifiers: Orphanet 636, MedGen C0027831, MONDO:0018975, OMIM 162200. Disease mechanism: loss of function.

Allele frequency attached by ClinVar (database versions not stated): gnomAD exomes below 0.00001; TOPMed below 0.00001; ExAC 0.00001; ESP Exome Variant Server 0.00008.

Submission:

Labcorp Genetics (formerly Invitae), Labcorp
Classification: Uncertain significance for Neurofibromatosis, type 1. Last evaluated: 2023-08-10. Review status: criteria provided, single submitter. Criteria: Invitae Variant Classification Sherloc (09022015). Collection method: clinical testing. Allele origin: germline.
Comment: Advanced modeling of protein sequence and biophysical properties (such as structural, functional, and spatial information, amino acid conservation, physicochemical variation, residue mobility, and thermodynamic stability) performed at Invitae indicates that this missense variant is expected to disrupt NF1 protein function. In summary, the available evidence is currently insufficient to determine the role of this variant in disease. Therefore, it has been classified as a Variant of Uncertain Significance. ClinVar contains an entry for this variant (Variation ID: 1387741). This variant has not been reported in the literature in individuals affected with NF1-related conditions. This variant is present in population databases (rs368201829, gnomAD 0.0009%). This sequence change replaces glycine, which is neutral and non-polar, with serine, which is neutral and polar, at codon 1876 of the NF1 protein (p.Gly1876Ser).